The following is an entry in ClinVar:

NM_018062.4(FANCL):c.967G>A (p.Val323Met)

Gene: FANCL (FA complementation group L; minus strand). Cytogenetic location: 2p16.1.
Variant type: single nucleotide variant.
Coding change: c.967G>A on transcript NM_018062.4 (MANE Select); coding-DNA position 967, G replaced by A.
Protein change: p.Val323Met; replaces valine 323 with methionine.
Molecular consequence: missense variant.
Genome position (GRCh38, 1-based): chr2:58,161,575, C>T on the plus strand (G>A on the coding strand, the complement: FANCL is on the minus strand). VCF-style: chr2-58161575-C-T. GRCh37 (hg19) VCF-style: chr2-58388710-C-T.
Other names: c.982G>A, p.Val328Met (NM_001114636.2); c.1012G>A, p.Val338Met (NM_001374615.1); c.1027G>A, p.Val343Met (NM_001410792.1); short protein forms V338M, V323M, V328M, V343M.
Identifiers: ClinVar variation 1347514 (VCV001347514.8), dbSNP rs763057392, ClinGen allele CA1670369.

ClinVar aggregate classification (germline): Uncertain significance (1 of 4 stars; one submission).

Conditions:
Fanconi anemia (FA). Also called: Fanconi's anemia. Identifiers: Orphanet 84, MedGen C0015625, MeSH D005199, MONDO:0019391.

Allele frequency attached by ClinVar (database versions not stated): ExAC 0.00001.

Submission:

Labcorp Genetics (formerly Invitae), Labcorp
Classification: Uncertain significance for Fanconi anemia. Last evaluated: 2023-09-25. Review status: criteria provided, single submitter. Criteria: Invitae Variant Classification Sherloc (09022015). Collection method: clinical testing. Allele origin: germline.
Comment: This sequence change replaces valine, which is neutral and non-polar, with methionine, which is neutral and non-polar, at codon 323 of the FANCL protein (p.Val323Met). This variant is present in population databases (rs763057392, gnomAD 0.006%). This variant has not been reported in the literature in individuals affected with FANCL-related conditions. ClinVar contains an entry for this variant (Variation ID: 1347514). Advanced modeling of protein sequence and biophysical properties (such as structural, functional, and spatial information, amino acid conservation, physicochemical variation, residue mobility, and thermodynamic stability) performed at Invitae indicates that this missense variant is expected to disrupt FANCL protein function. In summary, the available evidence is currently insufficient to determine the role of this variant in disease. Therefore, it has been classified as a Variant of Uncertain Significance.